The following is an entry in ClinVar:

ClinVar aggregate classification (germline): Uncertain significance. Review status: criteria provided, multiple submitters, no conflicts (2 of 4 stars). 2 submissions from 2 submitters: Uncertain significance (2). Last evaluated 2024-08-06.

Allele frequency attached by ClinVar (database versions not stated): ExAC 0.00001; gnomAD exomes 0.00001 and 0.00003; TOPMed 0.00002; gnomAD 0.00004 and 0.00005; 1000 Genomes Project 30x 0.00031; 1000 Genomes Project 0.00040.
gnomAD v4.1: 26 of 1,614,138 alleles (0.0016%); highest among the groups gnomAD compares: African/African-American, 0.0093%; no homozygotes.

Submissions (2):

Blueprint Genetics
Classification: Uncertain significance. Last evaluated: 2024-08-06. Review status: criteria provided, single submitter. Criteria: ACMG Guidelines, 2015. Collection method: clinical testing. Allele origin: germline.

Labcorp Genetics (formerly Invitae), Labcorp
Classification: Uncertain significance. Last evaluated: 2024-05-18. Review status: criteria provided, single submitter. Criteria: Invitae Variant Classification Sherloc (09022015). Collection method: clinical testing. Allele origin: germline.
Comment: This sequence change replaces arginine, which is basic and polar, with glutamine, which is neutral and polar, at codon 137 of the GNB3 protein (p.Arg137Gln). This variant is present in population databases (rs782199511, gnomAD 0.008%). This variant has not been reported in the literature in individuals affected with GNB3-related conditions. ClinVar contains an entry for this variant (Variation ID: 1517376). Advanced modeling of protein sequence and biophysical properties (such as structural, functional, and spatial information, amino acid conservation, physicochemical variation, residue mobility, and thermodynamic stability) performed at Invitae indicates that this missense variant is not expected to disrupt GNB3 protein function with a negative predictive value of 80%. In summary, the available evidence is currently insufficient to determine the role of this variant in disease. Therefore, it has been classified as a Variant of Uncertain Significance.

NM_002075.4(GNB3):c.410G>A (p.Arg137Gln)

Gene: GNB3 (G protein subunit beta 3; plus strand). Cytogenetic location: 12p13.31.
Variant type: single nucleotide variant.
Coding change: c.410G>A on transcript NM_002075.4 (MANE Select); coding-DNA position 410, G replaced by A.
Protein change: p.Arg137Gln; replaces arginine 137 with glutamine.
Molecular consequence: missense variant.
Genome position (GRCh38, 1-based): chr12:6,843,505, G>A. VCF-style: chr12-6843505-G-A. GRCh37 (hg19) VCF-style: chr12-6952669-G-A.
Other names: c.410G>A, p.Arg137Gln (NM_001297571.2); short protein forms R137Q.
Identifiers: ClinVar variation 1517376 (VCV001517376.7), dbSNP rs782199511, ClinGen allele CA6417527.
Genomic context (GRCh38, chr12:6,843,505, plus strand): 5'-TGGACAACATGTGTTCCATCTACAACCTCAAATCCCGTGAGGGCAATGTCAAGGTCAGCC[G>A]GGAGCTTTCTGCTCACACAGGTGAGGGAGAGACCCTCTCCTCCCCTCCTGAGGGGTTCAG-3'
Protein context (NP_002066.1, residues 127-147): KSREGNVKVS[Arg137Gln]ELSAHTGYLS